The following is an entry in ClinVar:

NM_004715.5(CTDP1):c.102G>T (p.Glu34Asp)

Gene: CTDP1 (CTD phosphatase subunit 1; plus strand). Cytogenetic location: 18q23.
Variant type: single nucleotide variant.
Coding change: c.102G>T on transcript NM_004715.5 (MANE Select); coding-DNA position 102, G replaced by T.
Protein change: p.Glu34Asp; replaces glutamic acid 34 with aspartic acid.
Molecular consequence: missense variant.
Genome position (GRCh38, 1-based): chr18:79,680,049, G>T. VCF-style: chr18-79680049-G-T. GRCh37 (hg19) VCF-style: chr18-77440049-G-T.
Other names: c.102G>T, p.Glu34Asp (NM_001318511.2, NM_048368.4); short protein forms E34D.
Identifiers: ClinVar variation 1996644 (VCV001996644.1), dbSNP rs1308297464, ClinGen allele CA402824958.
Genomic context (GRCh38, chr18:79,680,049, plus strand): 5'-CCCGACGGCGGCTGTGGCCGAGGTGCGCTGCCCGGGGCCCGCGCCGCTGCGCCTGCTGGA[G>T]TGGAGGGTGGCGGCGGGCGCGGCCGTGCGCATCGGCTCGGTGCTGGCCGTGTTCGAGGCC-3'
Protein context (NP_004706.3, residues 24-44): CPGPAPLRLL[Glu34Asp]WRVAAGAAVR

ClinVar aggregate classification (germline): Uncertain significance (1 of 4 stars; one submission).

Allele frequency attached by ClinVar (database versions not stated): gnomAD exomes 0.00001.
gnomAD v4.1: 3 of 1,257,056 alleles (0.00024%); highest among the groups gnomAD compares: Non-Finnish European, 0.0003%; no homozygotes.

Submission:

Labcorp Genetics (formerly Invitae), Labcorp
Classification: Uncertain significance. Last evaluated: 2022-08-14. Review status: criteria provided, single submitter. Criteria: Invitae Variant Classification Sherloc (09022015). Collection method: clinical testing. Allele origin: germline.
Comment: This sequence change replaces glutamic acid, which is acidic and polar, with aspartic acid, which is acidic and polar, at codon 34 of the CTDP1 protein (p.Glu34Asp). This variant is not present in population databases (gnomAD no frequency). This variant has not been reported in the literature in individuals affected with CTDP1-related conditions. Algorithms developed to predict the effect of missense changes on protein structure and function are either unavailable or do not agree on the potential impact of this missense change (SIFT: "Tolerated"; PolyPhen-2: "Possibly Damaging"; Align-GVGD: "Class C0"). In summary, the available evidence is currently insufficient to determine the role of this variant in disease. Therefore, it has been classified as a Variant of Uncertain Significance.